The following is an entry in ClinVar:

NM_080680.3(COL11A2):c.74G>C (p.Gly25Ala)

Gene: COL11A2 (collagen type XI alpha 2 chain; minus strand). Cytogenetic location: 6p21.32.
Variant type: single nucleotide variant.
Coding change: c.74G>C on transcript NM_080680.3 (MANE Select); coding-DNA position 74, G replaced by C.
Protein change: p.Gly25Ala; replaces glycine 25 with alanine.
Molecular consequence: missense variant.
Genome position (GRCh38, 1-based): chr6:33,192,167, C>G on the plus strand (G>C on the coding strand, the complement: COL11A2 is on the minus strand). VCF-style: chr6-33192167-C-G. GRCh37 (hg19) VCF-style: chr6-33159944-C-G.
Other names: c.74G>C, p.Gly25Ala (NM_001163771.2, NM_080679.3, NM_080681.3); short protein forms G25A.
Identifiers: ClinVar variation 2574899 (VCV002574899.3), dbSNP rs1482152365, ClinGen allele CA363614863.

ClinVar aggregate classification (germline): Uncertain significance. Review status: criteria provided, multiple submitters, no conflicts (2 of 4 stars). 2 submissions from 2 submitters: Uncertain significance (2). Last evaluated 2024-07-24.

Allele frequency attached by ClinVar (database versions not stated): gnomAD 0.00001.
gnomAD v4.1: 11 of 1,558,456 alleles (0.00071%); highest among the groups gnomAD compares: East Asian, 0.026%; no homozygotes.

Submissions (2):

Labcorp Genetics (formerly Invitae), Labcorp
Classification: Uncertain significance. Last evaluated: 2024-07-24. Review status: criteria provided, single submitter. Criteria: Invitae Variant Classification Sherloc (09022015). Collection method: clinical testing. Allele origin: germline.
Comment: This sequence change replaces glycine, which is neutral and non-polar, with alanine, which is neutral and non-polar, at codon 25 of the COL11A2 protein (p.Gly25Ala). This variant is not present in population databases (gnomAD no frequency). This variant has not been reported in the literature in individuals affected with COL11A2-related conditions. ClinVar contains an entry for this variant (Variation ID: 2574899). Advanced modeling of protein sequence and biophysical properties (such as structural, functional, and spatial information, amino acid conservation, physicochemical variation, residue mobility, and thermodynamic stability) performed at Invitae indicates that this missense variant is not expected to disrupt COL11A2 protein function with a negative predictive value of 95%. In summary, the available evidence is currently insufficient to determine the role of this variant in disease. Therefore, it has been classified as a Variant of Uncertain Significance.

GeneDx
Classification: Uncertain significance. Last evaluated: 2023-02-03. Review status: criteria provided, single submitter. Criteria: GeneDx Variant Classification Process June 2021. Collection method: clinical testing. Allele origin: germline. Affected: yes.
Comment: Identified in a patient with osteoarthritis and rheumatoid arthritis (RA) in published literature (Tsuchida et al., 2022); however, this patient harbored two additional variants in the COL11A2 gene that were determined to be in trans by WGS and the authors suggest the G25A variant is likely benign; Not observed at significant frequency in large population cohorts (gnomAD); In silico analysis supports that this missense variant does not alter protein structure/function; This variant is associated with the following publications: (PMID: 35363175)